The following is an entry in ClinVar:

NM_003119.4(SPG7):c.405C>A (p.Asp135Glu)

Gene: SPG7 (SPG7 matrix AAA peptidase subunit, paraplegin; plus strand). Cytogenetic location: 16q24.3.
Variant type: single nucleotide variant.
Coding change: c.405C>A on transcript NM_003119.4 (MANE Select); coding-DNA position 405, C replaced by A.
Protein change: p.Asp135Glu; replaces aspartic acid 135 with glutamic acid.
Molecular consequence: missense variant.
Genome position (GRCh38, 1-based): chr16:89,524,034, C>A. VCF-style: chr16-89524034-C-A. GRCh37 (hg19) VCF-style: chr16-89590442-C-A.
Other names: p.Asp135Glu; c.405C>A, p.Asp135Glu (NM_001363850.1, NM_199367.3); short protein forms D135E.
Identifiers: ClinVar variation 2683405 (VCV002683405.1), dbSNP rs2543723342, ClinGen allele CA397417230.

ClinVar aggregate classification (germline): Uncertain significance (1 of 4 stars; one submission).

Submission:

Mayo Clinic Laboratories, Mayo Clinic
Classification: Uncertain significance. Last evaluated: 2023-03-24. Review status: criteria provided, single submitter. Criteria: ACMG Guidelines, 2015. Collection method: clinical testing. Allele origin: germline. Observed: 1 variant allele.
Comment: PM2